The following is an entry in ClinVar:

ClinVar aggregate classification (germline): Uncertain significance (1 of 4 stars; one submission).

Allele frequency attached by ClinVar (database versions not stated): gnomAD exomes below 0.00001; ExAC 0.00001.
gnomAD v4.1: 1 of 1,613,912 alleles (0.000062%); highest among the groups gnomAD compares: South Asian, 0.0011%; no homozygotes.

Submission:

Labcorp Genetics (formerly Invitae), Labcorp
Classification: Uncertain significance. Last evaluated: 2021-11-16. Review status: criteria provided, single submitter. Criteria: Invitae Variant Classification Sherloc (09022015). Collection method: clinical testing. Allele origin: germline.
Comment: This variant has not been reported in the literature in individuals affected with LEMD3-related conditions. In summary, the available evidence is currently insufficient to determine the role of this variant in disease. Therefore, it has been classified as a Variant of Uncertain Significance. Algorithms developed to predict the effect of missense changes on protein structure and function output the following: SIFT: "Tolerated"; PolyPhen-2: "Benign"; Align-GVGD: "Class C0". The serine amino acid residue is found in multiple mammalian species, which suggests that this missense change does not adversely affect protein function. This variant is present in population databases (rs779926136, gnomAD 0.0009%). This sequence change replaces proline, which is neutral and non-polar, with serine, which is neutral and polar, at codon 598 of the LEMD3 protein (p.Pro598Ser).

NM_014319.5(LEMD3):c.1792C>T (p.Pro598Ser)

Gene: LEMD3 (LEM domain containing 3; plus strand). Cytogenetic location: 12q14.3.
Variant type: single nucleotide variant.
Coding change: c.1792C>T on transcript NM_014319.5 (MANE Select); coding-DNA position 1792, C replaced by T.
Protein change: p.Pro598Ser; replaces proline 598 with serine.
Molecular consequence: missense variant.
Genome position (GRCh38, 1-based): chr12:65,238,685, C>T. VCF-style: chr12-65238685-C-T. GRCh37 (hg19) VCF-style: chr12-65632465-C-T.
Other names: c.1789C>T, p.Pro597Ser (NM_001167614.2); short protein forms P598S, P597S.
Identifiers: ClinVar variation 1415502 (VCV001415502.6), dbSNP rs779926136, ClinGen allele CA6671044.